The following is an entry in ClinVar:

ClinVar aggregate classification (germline): Uncertain significance (1 of 4 stars; one submission).

Allele frequency attached by ClinVar (database versions not stated): gnomAD 0.00001; TOPMed 0.00001.
gnomAD v4.1: 1 of 1,603,476 alleles (0.000062%); highest among the groups gnomAD compares: Non-Finnish European, 0.000085%; no homozygotes.

Submission:

Labcorp Genetics (formerly Invitae), Labcorp
Classification: Uncertain significance. Last evaluated: 2023-11-13. Review status: criteria provided, single submitter. Criteria: Invitae Variant Classification Sherloc (09022015). Collection method: clinical testing. Allele origin: germline.
Comment: This sequence change replaces phenylalanine, which is neutral and non-polar, with leucine, which is neutral and non-polar, at codon 233 of the COL9A1 protein (p.Phe233Leu). This variant is not present in population databases (gnomAD no frequency). This variant has not been reported in the literature in individuals affected with COL9A1-related conditions. ClinVar contains an entry for this variant (Variation ID: 1714696). Experimental studies and prediction algorithms are not available or were not evaluated, and the functional significance of this variant is currently unknown. In summary, the available evidence is currently insufficient to determine the role of this variant in disease. Therefore, it has been classified as a Variant of Uncertain Significance.

NM_001851.6(COL9A1):c.699T>G (p.Phe233Leu)

Gene: COL9A1 (collagen type IX alpha 1 chain; minus strand). Cytogenetic location: 6q13.
Variant type: single nucleotide variant.
Coding change: c.699T>G on transcript NM_001851.6 (MANE Select); coding-DNA position 699, T replaced by G.
Protein change: p.Phe233Leu; replaces phenylalanine 233 with leucine.
Molecular consequence: missense variant.
Genome position (GRCh38, 1-based): chr6:70,283,818, A>C on the plus strand (T>G on the coding strand, the complement: COL9A1 is on the minus strand). VCF-style: chr6-70283818-A-C. GRCh37 (hg19) VCF-style: chr6-70993521-A-C.
Other names: c.699T>G, p.Phe233Leu (NM_001377291.1); short protein forms F233L.
Identifiers: ClinVar variation 1714696 (VCV001714696.5), dbSNP rs1178966638, ClinGen allele CA364667342.